The following is an entry in ClinVar:

NM_002435.3(MPI):c.13C>T (p.Arg5Ter)

Gene: MPI (mannose phosphate isomerase; plus strand). Cytogenetic location: 15q24.1.
Variant type: single nucleotide variant.
Coding change: c.13C>T on transcript NM_002435.3 (MANE Select); coding-DNA position 13, C replaced by T.
Protein change: p.Arg5Ter; replaces arginine 5 with a stop codon.
Molecular consequence: nonsense. On other transcripts: 5 prime UTR variant (2).
Genome position (GRCh38, 1-based): chr15:74,890,086, C>T. VCF-style: chr15-74890086-C-T. GRCh37 (hg19) VCF-style: chr15-75182427-C-T.
Other names: c.13C>T, p.Arg5Ter (NM_001289155.2, NM_001289157.2); c.-10C>T (NM_001289156.2); c.-137C>T (NM_001330372.2); c.13C>T (NM_002435.2); short protein forms R5*.
Identifiers: ClinVar variation 554184 (VCV000554184.10), dbSNP rs1452559752, ClinGen allele CA393168612.

ClinVar aggregate classification (germline): Pathogenic/Likely pathogenic. Review status: criteria provided, multiple submitters, no conflicts (2 of 4 stars). 4 submissions from 4 submitters: Pathogenic (1); Likely pathogenic (2). 1 of the submissions does not count toward it. Last evaluated 2025-12-05.

Conditions:
MPI-congenital disorder of glycosylation. Also called: PROTEIN-LOSING ENTEROPATHY-HEPATIC FIBROSIS SYNDROME; MPI-CDG; MPI DEFICIENCY; CONGENITAL DISORDER OF GLYCOSYLATION, TYPE Ib; CDG Ib; MANNOSEPHOSPHATE ISOMERASE DEFICIENCY. Identifiers: Orphanet 79319, MedGen C1865145, MONDO:0011257, OMIM 602579.

Allele frequency attached by ClinVar (database versions not stated): TOPMed below 0.00001; gnomAD 0.00001; gnomAD exomes 0.00001.

Submissions (4):

Natera, Inc.
Classification: Likely pathogenic for Congenital disorder of glycosylation type 1b. Last evaluated: 2025-12-05. Review status: criteria provided, single submitter. Criteria: Natera Variant Classification Schema (03/2026). Collection method: clinical testing. Allele origin: germline.
Comment: The c.13C>T variant in MPI is a nonsense variant predicted to introduce a stop codon at amino acid 5. This variant is expected to result in nonsense mediated decay, truncation, or a dysfunctional protein product. This variant is rare in the general population with a frequency below the threshold expected for the associated phenotype(s). Given the available evidence, this variant is classified as Likely Pathogenic.

Baylor Genetics
Classification: Likely pathogenic for MPI-congenital disorder of glycosylation. Last evaluated: 2024-01-19. Review status: criteria provided, single submitter. Criteria: ACMG Guidelines, 2015. Collection method: clinical testing. Allele origin: unknown.

Labcorp Genetics (formerly Invitae), Labcorp
Classification: Pathogenic for MPI-congenital disorder of glycosylation. Last evaluated: 2021-07-21. Review status: criteria provided, single submitter. Criteria: Invitae Variant Classification Sherloc (09022015). Collection method: clinical testing. Allele origin: germline.
Comment: For these reasons, this variant has been classified as Pathogenic. Algorithms developed to predict the effect of sequence changes on RNA splicing suggest that this variant may create or strengthen a splice site. ClinVar contains an entry for this variant (Variation ID: 554184). This variant has not been reported in the literature in individuals affected with MPI-related conditions. This variant is not present in population databases (ExAC no frequency). This sequence change creates a premature translational stop signal (p.Arg5*) in the MPI gene. It is expected to result in an absent or disrupted protein product. Loss-of-function variants in MPI are known to be pathogenic (PMID: 19862844).

Counsyl
Classification: Likely pathogenic for MPI-congenital disorder of glycosylation. Last evaluated: 2017-09-28. Review status: no assertion criteria provided. Collection method: clinical testing. Allele origin: unknown. Not counted in ClinVar's aggregate classification.

Literature cited by the submitters: PubMed 19862844 (cited by Labcorp Genetics (formerly Invitae), Labcorp).